The following is an entry in ClinVar:

ClinVar aggregate classification (germline): Likely benign (1 of 4 stars; one submission).

Allele frequency attached by ClinVar (database versions not stated): TOPMed 0.00037; gnomAD exomes 0.00052; gnomAD 0.00053; ESP Exome Variant Server 0.00066; ExAC 0.00097.
gnomAD v4.1: 622 of 1,207,164 alleles (0.052%); highest among the groups gnomAD compares: Non-Finnish European, 0.063%; no homozygotes.

Submission:

CeGaT Center for Human Genetics Tuebingen
Classification: Likely benign. Last evaluated: 2023-03-01. Review status: criteria provided, single submitter. Criteria: CeGaT Center For Human Genetics Tuebingen Variant Classification Criteria Version 2. Collection method: clinical testing. Allele origin: germline. Affected: yes. Observed: 1 variant allele.
Comment: MPP1: BS2

NM_002436.4(MPP1):c.47C>T (p.Thr16Met)

Gene: MPP1 (MAGUK p55 scaffold protein 1; minus strand). Cytogenetic location: Xq28.
Variant type: single nucleotide variant.
Coding change: c.47C>T on transcript NM_002436.4 (MANE Select); coding-DNA position 47, C replaced by T.
Protein change: p.Thr16Met; replaces threonine 16 with methionine.
Molecular consequence: missense variant. On other transcripts: 5 prime UTR variant (1).
Genome position (GRCh38, 1-based): chrX:154,805,327, G>A on the plus strand (C>T on the coding strand, the complement: MPP1 is on the minus strand). VCF-style: chrX-154805327-G-A. GRCh37 (hg19) VCF-style: chrX-154033602-G-A.
Other names: c.47C>T, p.Thr16Met (NM_001166460.2, NM_001166461.2); c.-193C>T (NM_001166462.2); short protein forms T16M.
Identifiers: ClinVar variation 2661859 (VCV002661859.24), dbSNP rs141530265, ClinGen allele CA10567683.